The following is an entry in ClinVar:

ClinVar aggregate classification (germline): Uncertain significance (1 of 4 stars; one submission).

Conditions:
Hereditary cancer-predisposing syndrome. Also called: Neoplastic Syndromes, Hereditary; Tumor predisposition; Hereditary neoplastic syndrome; Hereditary Cancer Syndrome. Identifiers: Orphanet 140162, MedGen C0027672, MeSH D009386, MONDO:0015356.

Submission:

Ambry Genetics
Classification: Uncertain significance for Hereditary cancer-predisposing syndrome. Last evaluated: 2026-07-06. Review status: criteria provided, single submitter. Criteria: Ambry Variant Classification Scheme 2023. Collection method: clinical testing. Allele origin: germline.
Comment: The p.S145F variant (also known as c.434C>T), located in coding exon 4 of the CDH1 gene, results from a C to T substitution at nucleotide position 434. The serine at codon 145 is replaced by phenylalanine, an amino acid with highly dissimilar properties. This amino acid position is conserved. In addition, this alteration is predicted to be tolerated by in silico analysis. Based on the available evidence, the clinical significance of this variant remains unclear.

NM_004360.5(CDH1):c.434C>T (p.Ser145Phe)

Gene: CDH1 (cadherin 1; plus strand). Cytogenetic location: 16q22.1.
Variant type: single nucleotide variant.
Coding change: c.434C>T on transcript NM_004360.5 (MANE Select); coding-DNA position 434, C replaced by T.
Protein change: p.Ser145Phe; replaces serine 145 with phenylalanine.
Molecular consequence: missense variant. On other transcripts: 5 prime UTR variant (2).
Genome position (GRCh38, 1-based): chr16:68,808,470, C>T. VCF-style: chr16-68808470-C-T. GRCh37 (hg19) VCF-style: chr16-68842373-C-T.
Other names: c.434C>T, p.Ser145Phe (NM_001317184.2); c.-1182C>T (NM_001317185.2); c.-1386C>T (NM_001317186.2); short protein forms S145F.
Identifiers: ClinVar variation 5033927 (VCV005033927.1).